The following is an entry in ClinVar:

ClinVar aggregate classification (germline): Benign/Likely benign. Review status: criteria provided, multiple submitters, no conflicts (2 of 4 stars). 3 submissions from 3 submitters: Benign (2); Likely benign (1). Last evaluated 2022-07-01.

Allele frequency attached by ClinVar (database versions not stated): 1000 Genomes Project 0.00120; 1000 Genomes Project 30x 0.00172; TOPMed 0.00302; gnomAD 0.00347 and 0.00354; ESP Exome Variant Server 0.00354; gnomAD exomes 0.00437; ExAC 0.00467.
gnomAD v4.1: 6,976 of 1,614,036 alleles (0.43%); highest among the groups gnomAD compares: Middle Eastern, 0.74%; 24 homozygotes.

Submissions (3):

CeGaT Center for Human Genetics Tuebingen
Classification: Likely benign. Last evaluated: 2022-07-01. Review status: criteria provided, single submitter. Criteria: CeGaT Center For Human Genetics Tuebingen Variant Classification Criteria Version 2. Collection method: clinical testing. Allele origin: germline. Affected: yes. Observed: 1 variant allele.
Comment: STARD13: BP4, BP7

Labcorp Genetics (formerly Invitae), Labcorp
Classification: Benign. Last evaluated: 2018-04-12. Review status: criteria provided, single submitter. Criteria: Invitae Variant Classification Sherloc (09022015). Collection method: clinical testing. Allele origin: germline.

Breakthrough Genomics
Classification: Benign. Review status: criteria provided, single submitter. Criteria: ACMG Guidelines, 2015. Collection method: not provided. Allele origin: germline. Inheritance: Unknown mechanism. Affected: yes.

NM_178006.4(STARD13):c.3174G>A (p.Pro1058=)

Gene: STARD13 (StAR related lipid transfer domain containing 13; minus strand). Cytogenetic location: 13q13.1.
Variant type: single nucleotide variant.
Coding change: c.3174G>A on transcript NM_178006.4 (MANE Select); coding-DNA position 3174, G replaced by A.
Protein change: p.Pro1058=; no amino-acid change (proline 1058 retained).
Molecular consequence: synonymous variant.
Genome position (GRCh38, 1-based): chr13:33,106,808, C>T on the plus strand (G>A on the coding strand, the complement: STARD13 is on the minus strand). VCF-style: chr13-33106808-C-T. GRCh37 (hg19) VCF-style: chr13-33680945-C-T.
Other names: c.3069G>A, p.Pro1023= (NM_001243476.3); c.2820G>A, p.Pro940= (NM_052851.3); c.3150G>A, p.Pro1050= (NM_178007.3).
Identifiers: ClinVar variation 791588 (VCV000791588.28), dbSNP rs117237914, ClinGen allele CA6944478.
Genomic context (GRCh38, chr13:33,106,808, plus strand): 5'-CAGCACTTACTTCAGGTCTATCCTGCAGATGTGAGTCAGTCTTGACTTGCCAGAGCCACA[C>T]GGTTCTATCAAGTACTGCGAGTCCATCACCACTGCTCGCACACCACCCAGGAGCTGGGCT-3'
Protein context (NP_821074.1, residues 1048-1068): VVMDSQYLIE[Pro1058=]CGSGKSRLTH